The following is an entry in ClinVar:

NM_003719.5(PDE8B):c.*439C>T

Gene: PDE8B (phosphodiesterase 8B; plus strand). Cytogenetic location: 5q13.3.
Variant type: single nucleotide variant.
Coding change: c.*439C>T on transcript NM_003719.5 (MANE Select); 439 bases downstream of the stop codon, C replaced by T.
Molecular consequence: 3 prime UTR variant.
Genome position (GRCh38, 1-based): chr5:77,426,993, C>T. VCF-style: chr5-77426993-C-T. GRCh37 (hg19) VCF-style: chr5-76722818-C-T.
Other names: c.*439C>T (NM_001029851.4, NM_001029852.4, NM_001029853.4 and 19 more transcripts); c.*525C>T (NM_001349751.3, NM_001376072.1).
Identifiers: ClinVar variation 354186 (VCV000354186.5), dbSNP rs564968394, ClinGen allele CA10624965.

ClinVar aggregate classification (germline): Benign (1 of 4 stars; one submission).

Conditions:
Autosomal dominant striatal neurodegeneration type 1. Identifiers: Orphanet 228169, MedGen C4310808, MONDO:0012205, OMIM 609161.

Allele frequency attached by ClinVar (database versions not stated): gnomAD exomes 0.00049; 1000 Genomes Project 0.00060; 1000 Genomes Project 30x 0.00062; gnomAD 0.00081 and 0.00083; TOPMed 0.00083.

Submission:

Illumina Laboratory Services, Illumina
Classification: Benign for Autosomal dominant striatal neurodegeneration type 1. Last evaluated: 2018-01-13. Review status: criteria provided, single submitter. Criteria: ICSL Variant Classification Criteria 13 December 2019. Collection method: clinical testing. Allele origin: germline.
Comment: This variant was observed in the ICSL laboratory as part of a predisposition screen in an ostensibly healthy population. It had not been previously curated by ICSL or reported in the Human Gene Mutation Database (HGMD: prior to June 1st, 2018), and was therefore a candidate for classification through an automated scoring system. Utilizing variant allele frequency, disease prevalence and penetrance estimates, and inheritance mode, an automated score was calculated to assess if this variant is too frequent to cause the disease. Based on the score and internal cut-off values, a variant classified as benign is not then subjected to further curation. The score for this variant resulted in a classification of benign for this disease.